The following is an entry in ClinVar:

ClinVar aggregate classification (germline): Likely benign. Review status: criteria provided, multiple submitters, no conflicts (2 of 4 stars). 2 submissions from 2 submitters: Likely benign (2). Last evaluated 2018-06-14.

Allele frequency attached by ClinVar (database versions not stated): 1000 Genomes Project 30x 0.00656; 1000 Genomes Project 0.00659; gnomAD 0.01156 and 0.01162; TOPMed 0.01162; gnomAD exomes 0.01674.
gnomAD v4.1: 18,898 of 1,180,694 alleles (1.6%); highest among the groups gnomAD compares: Non-Finnish European, 2%; 212 homozygotes.

Submissions (2):

GeneDx
Classification: Likely benign. Last evaluated: 2018-06-14. Review status: criteria provided, single submitter. Criteria: GeneDx Variant Classification (06012015). Collection method: clinical testing. Allele origin: germline. Affected: yes.
Comment: This variant is considered likely benign or benign based on one or more of the following criteria: it is a conservative change, it occurs at a poorly conserved position in the protein, it is predicted to be benign by multiple in silico algorithms, and/or has population frequency not consistent with disease.

Breakthrough Genomics
Classification: Likely benign. Review status: criteria provided, single submitter. Criteria: ACMG Guidelines, 2015. Collection method: not provided. Allele origin: germline. Inheritance: Autosomal dominant inheritance. Affected: yes.

NM_002880.4(RAF1):c.424-129A>G

Gene: RAF1 (Raf-1 proto-oncogene, serine/threonine kinase; minus strand). Cytogenetic location: 3p25.2.
Variant type: single nucleotide variant.
Coding change: c.424-129A>G on transcript NM_002880.4 (MANE Select); 129 bases into the intron before coding-DNA position 424, A replaced by G.
Molecular consequence: intron variant.
Genome position (GRCh38, 1-based): chr3:12,609,052, T>C on the plus strand (A>G on the coding strand, the complement: RAF1 is on the minus strand). VCF-style: chr3-12609052-T-C. GRCh37 (hg19) VCF-style: chr3-12650551-T-C.
Other names: c.181-129A>G (NM_001354695.3, NM_001354692.3, NM_001354694.3 and 1 more transcripts); c.424-129A>G (NM_001354693.3, NM_001354689.3, NM_001354690.3).
Identifiers: ClinVar variation 561387 (VCV000561387.2), dbSNP rs116215412, ClinGen allele CA69622939.
Genomic context (GRCh38, chr3:12,609,052, plus strand): 5'-TGGCCTCCAAAAAAGTTTTTACAAAATGAATCATACTTCCAGCATGTACAGAATTCATAA[T>C]CACAAATTAGAGTATATCTCTGACTAATGAAATCTAAATTGCCTTACTGTAAACAACAGC-3'